The following is an entry in ClinVar:

NM_006766.5(KAT6A):c.3275A>T (p.Asp1092Val)

Gene: KAT6A (lysine acetyltransferase 6A; minus strand). Cytogenetic location: 8p11.21.
Variant type: single nucleotide variant.
Coding change: c.3275A>T on transcript NM_006766.5 (MANE Select); coding-DNA position 3275, A replaced by T.
Protein change: p.Asp1092Val; replaces aspartic acid 1092 with valine.
Molecular consequence: missense variant.
Genome position (GRCh38, 1-based): chr8:41,937,333, T>A on the plus strand (A>T on the coding strand, the complement: KAT6A is on the minus strand). VCF-style: chr8-41937333-T-A. GRCh37 (hg19) VCF-style: chr8-41794851-T-A.
Other names: short protein forms D1092V.
Identifiers: ClinVar variation 4989526 (VCV004989526.1).

ClinVar aggregate classification (germline): Uncertain significance (1 of 4 stars; one submission).

Conditions:
KAT6A-related disorder. Also called: KAT6A-related condition.

Submission:

PreventionGenetics, part of Exact Sciences
Classification: Uncertain significance for KAT6A-related condition. Last evaluated: 2025-08-01. Review status: criteria provided, single submitter. Criteria: ACMG Guidelines, 2015. Collection method: clinical testing. Allele origin: germline.
Comment: The KAT6A c.3275A>T variant is predicted to result in the amino acid substitution p.Asp1092Val. To our knowledge, this variant has not been reported in the literature or in a large population database (gnomAD), indicating this variant is rare. At this time, the clinical significance of this variant is uncertain due to the absence of conclusive functional and genetic evidence.